The following is an entry in ClinVar:

NM_203447.4(DOCK8):c.3022C>T (p.Arg1008Trp)

Gene: DOCK8 (dedicator of cytokinesis 8; plus strand). Cytogenetic location: 9p24.3.
Variant type: single nucleotide variant.
Coding change: c.3022C>T on transcript NM_203447.4 (MANE Select); coding-DNA position 3022, C replaced by T.
Protein change: p.Arg1008Trp; replaces arginine 1008 with tryptophan.
Molecular consequence: missense variant.
Genome position (GRCh38, 1-based): chr9:396,836, C>T. VCF-style: chr9-396836-C-T. GRCh37 (hg19) VCF-style: chr9-396836-C-T.
Other names: c.2722C>T, p.Arg908Trp (NM_001190458.2); c.2818C>T, p.Arg940Trp (NM_001193536.2); short protein forms R1008W, R908W, R940W.
Identifiers: ClinVar variation 178767 (VCV000178767.25), dbSNP rs16937932, ClinGen allele CA182985.
Genomic context (GRCh38, chr9:396,836, plus strand): 5'-CCTCCGCAGGTGAAAAGCATGGCCCAGCACGTACATAACATGGACAAACGGGACAGTTTT[C>T]GGAGGACTCGTTTTTCTGACCGTTTCATGGATGACATAACTACTATTGTTAATGTGGTCA-3'
Protein context (NP_982272.2, residues 998-1018): VHNMDKRDSF[Arg1008Trp]RTRFSDRFMD

ClinVar aggregate classification (germline): Benign/Likely benign. Review status: criteria provided, multiple submitters, no conflicts (2 of 4 stars). 8 submissions from 8 submitters: Benign (6); Likely benign (2). Last evaluated 2026-01-29.

Conditions:
Combined immunodeficiency due to DOCK8 deficiency (HIES2). Also called: DOCK8 Deficiency; HIES autosomal recessive; HYPER-IgE RECURRENT INFECTION SYNDROME 2, AUTOSOMAL RECESSIVE; HYPER-IgE SYNDROME 2, AUTOSOMAL RECESSIVE, WITH RECURRENT INFECTIONS; Hyper-IgE recurrent infection syndrome, autosomal recessive. Identifiers: Orphanet 217390, MedGen C4722305, MONDO:0009478, OMIM 243700.

Allele frequency attached by ClinVar (database versions not stated): gnomAD exomes 0.00043 and 0.00105; ExAC 0.00125; gnomAD 0.00364 and 0.00387; 1000 Genomes Project 0.00379; 1000 Genomes Project 30x 0.00390; TOPMed 0.00401; ESP Exome Variant Server 0.00408.
gnomAD v4.1: 1,201 of 1,614,060 alleles (0.074%); highest among the groups gnomAD compares: African/African-American, 1.3%; 6 homozygotes.

Submissions (8):

Women's Health and Genetics/Laboratory Corporation of America, LabCorp
Classification: Likely benign. Last evaluated: 2026-01-29. Review status: criteria provided, single submitter. Criteria: LabCorp Variant Classification Summary - May 2015. Collection method: clinical testing. Allele origin: germline.
Comment: Variant summary: DOCK8 c.3022C>T (p.Arg1008Trp) results in a non-conservative amino acid change in the encoded protein sequence. Algorithms developed to predict the effect of missense changes on protein structure and function are either unavailable or do not agree on the potential impact of this missense change. The variant allele was found at a frequency of 0.001 in 251416 control chromosomes, predominantly at a frequency of 0.013 within the African or African-American subpopulation in the gnomAD database, including 1 homozygotes. The observed variant frequency within African or African-American control individuals in the gnomAD database exceeds the estimated maximal expected allele frequency for disease-causing variants in DOCK8. To our knowledge, no occurrence of c.3022C>T in individuals affected with DOCK8-related conditions and no experimental evidence demonstrating its impact on protein function have been reported. ClinVar contains an entry for this variant (Variation ID: 178767). Based on the evidence outlined above, the variant was classified as likely benign.

Labcorp Genetics (formerly Invitae), Labcorp
Classification: Benign for Combined immunodeficiency due to DOCK8 deficiency. Last evaluated: 2026-01-26. Review status: criteria provided, single submitter. Criteria: Invitae Variant Classification Sherloc (09022015). Collection method: clinical testing. Allele origin: germline.

Blueprint Genetics
Classification: Likely benign. Last evaluated: 2024-11-12. Review status: criteria provided, single submitter. Criteria: ACMG Guidelines, 2015. Collection method: clinical testing. Allele origin: germline.

GeneDx
Classification: Benign. Last evaluated: 2020-02-10. Review status: criteria provided, single submitter. Criteria: GeneDx Variant Classification Process June 2021. Collection method: clinical testing. Allele origin: germline. Affected: yes.

Genetic Services Laboratory, University of Chicago
Classification: Benign. Last evaluated: 2018-08-23. Review status: criteria provided, single submitter. Criteria: ACMG Guidelines, 2015. Collection method: clinical testing. Allele origin: germline. Affected: no.

Illumina Laboratory Services, Illumina
Classification: Benign for Combined immunodeficiency due to DOCK8 deficiency. Last evaluated: 2018-01-13. Review status: criteria provided, single submitter. Criteria: ICSL Variant Classification Criteria 13 December 2019. Collection method: clinical testing. Allele origin: germline.
Comment: This variant was observed in the ICSL laboratory as part of a predisposition screen in an ostensibly healthy population. It had not been previously curated by ICSL or reported in the Human Gene Mutation Database (HGMD: prior to June 1st, 2018), and was therefore a candidate for classification through an automated scoring system. Utilizing variant allele frequency, disease prevalence and penetrance estimates, and inheritance mode, an automated score was calculated to assess if this variant is too frequent to cause the disease. Based on the score and internal cut-off values, a variant classified as benign is not then subjected to further curation. The score for this variant resulted in a classification of benign for this disease.

Laboratory for Molecular Medicine, Mass General Brigham Personalized Medicine
Classification: Benign. Last evaluated: 2013-02-21. Review status: criteria provided, single submitter. Criteria: LMM Criteria. Collection method: clinical testing. Allele origin: germline. Observed: 3 variant alleles.
Comment: Arg1008Trp in exon 25 of DOCK8: This variant is not expected to have clinical si gnificance because it has been identified in 1.2% (52/4406) of African American chromosomes from a broad population by the NHLBI Exome Sequencing Project (dbSNP rs16937932).

Breakthrough Genomics
Classification: Benign. Review status: criteria provided, single submitter. Criteria: ACMG Guidelines, 2015. Collection method: not provided. Allele origin: germline. Inheritance: Autosomal recessive inheritance. Affected: yes.